The following is an entry in ClinVar:

ClinVar aggregate classification (germline): Uncertain significance (1 of 4 stars; one submission).

Conditions:
Primary dilated cardiomyopathy (DCM). Also called: Dilated Cardiomyopathy. Identifiers: Orphanet 217604, MedGen C0007193, MeSH D002311, MONDO:0005021, HP:0001644. Inheritance: Various modes of inheritance.

Allele frequency attached by ClinVar (database versions not stated): gnomAD exomes below 0.00001.
gnomAD v4.1: 2 of 1,605,676 alleles (0.00012%); highest among the groups gnomAD compares: Admixed American, 0.0017%; no homozygotes.

Submission:

Labcorp Genetics (formerly Invitae), Labcorp
Classification: Uncertain significance for Primary dilated cardiomyopathy. Last evaluated: 2021-11-19. Review status: criteria provided, single submitter. Criteria: Invitae Variant Classification Sherloc (09022015). Collection method: clinical testing. Allele origin: germline.
Comment: In summary, the available evidence is currently insufficient to determine the role of this variant in disease. Therefore, it has been classified as a Variant of Uncertain Significance. Algorithms developed to predict the effect of missense changes on protein structure and function (SIFT, PolyPhen-2, Align-GVGD) all suggest that this variant is likely to be tolerated. This variant has not been reported in the literature in individuals affected with NEBL-related conditions. This variant is present in population databases (no rsID available, gnomAD 0.003%). This sequence change replaces glutamine, which is neutral and polar, with lysine, which is basic and polar, at codon 722 of the NEBL protein (p.Gln722Lys).

NM_006393.3(NEBL):c.2164C>A (p.Gln722Lys)

Gene: NEBL (nebulette; minus strand). Cytogenetic location: 10p12.31.
Variant type: single nucleotide variant.
Coding change: c.2164C>A on transcript NM_006393.3 (MANE Select); coding-DNA position 2164, C replaced by A.
Protein change: p.Gln722Lys; replaces glutamine 722 with lysine.
Molecular consequence: missense variant. On other transcripts: intron variant (9).
Genome position (GRCh38, 1-based): chr10:20,815,702, G>T on the plus strand (C>A on the coding strand, the complement: NEBL is on the minus strand). VCF-style: chr10-20815702-G-T. GRCh37 (hg19) VCF-style: chr10-21104631-G-T.
Other names: c.250-2762C>A (NM_001377326.1, NM_001377327.1, NM_001377328.1); c.358-2762C>A (NM_213569.2, NM_001173484.2, NM_001377322.1); c.301-2762C>A (NM_001377324.1); c.292-2762C>A (NM_001377325.1); c.310-2762C>A (NM_001377323.1); short protein forms Q722K.
Identifiers: ClinVar variation 1352573 (VCV001352573.6), dbSNP rs1459943747, ClinGen allele CA376093979.